The following is an entry in ClinVar:

NM_152703.5(SAMD9L):c.3329A>C (p.Lys1110Thr)

Gene: SAMD9L (sterile alpha motif domain containing 9 like; minus strand). Cytogenetic location: 7q21.2.
Variant type: single nucleotide variant.
Coding change: c.3329A>C on transcript NM_152703.5 (MANE Select); coding-DNA position 3329, A replaced by C.
Protein change: p.Lys1110Thr; replaces lysine 1110 with threonine.
Molecular consequence: missense variant.
Genome position (GRCh38, 1-based): chr7:93,132,643, T>G on the plus strand (A>C on the coding strand, the complement: SAMD9L is on the minus strand). VCF-style: chr7-93132643-T-G. GRCh37 (hg19) VCF-style: chr7-92761956-T-G.
Other names: c.3329A>C, p.Lys1110Thr (NM_001303496.3, NM_001303497.3, NM_001303498.3 and 5 more transcripts); short protein forms K1110T.
Identifiers: ClinVar variation 4282087 (VCV004282087.1).

ClinVar aggregate classification (germline): Uncertain significance (1 of 4 stars; one submission).

Submission:

GeneDx
Classification: Uncertain significance. Last evaluated: 2025-04-16. Review status: criteria provided, single submitter. Criteria: GeneDx Variant Classification Process June 2021. Collection method: clinical testing. Allele origin: germline. Affected: yes.
Comment: Not observed at significant frequency in large population cohorts (gnomAD); In silico analysis supports that this missense variant has a deleterious effect on protein structure/function; Has not been previously published as pathogenic or benign to our knowledge; This variant is associated with the following publications: (PMID: 28545555)